The following is an entry in ClinVar:

NM_000492.4(CFTR):c.2225C>T (p.Ser742Phe)

Gene: CFTR (CF transmembrane conductance regulator; plus strand). Cytogenetic location: 7q31.2.
Variant type: single nucleotide variant.
Coding change: c.2225C>T on transcript NM_000492.4 (MANE Select); coding-DNA position 2225, C replaced by T.
Protein change: p.Ser742Phe; replaces serine 742 with phenylalanine.
Molecular consequence: missense variant.
Genome position (GRCh38, 1-based): chr7:117,592,392, C>T. VCF-style: chr7-117592392-C-T. GRCh37 (hg19) VCF-style: chr7-117232446-C-T.
Other names: short protein forms S742F.
Identifiers: ClinVar variation 2173637 (VCV002173637.3), dbSNP rs1792044335, ClinGen allele CA368980492.

ClinVar aggregate classification (germline): Uncertain significance. Review status: criteria provided, multiple submitters, no conflicts (2 of 4 stars). 3 submissions from 3 submitters: Uncertain significance (3). Last evaluated 2025-04-08.

Conditions:
Cystic fibrosis (CF). Also called: MUCOVISCIDOSIS. Identifiers: Orphanet 586, MedGen C0010674, MONDO:0009061, OMIM 219700. Disease mechanism: loss of function.

Allele frequency attached by ClinVar (database versions not stated): TOPMed below 0.00001; gnomAD exomes below 0.00001.
gnomAD v4.1: 5 of 1,614,040 alleles (0.00031%); highest among the groups gnomAD compares: Non-Finnish European, 0.00042%; no homozygotes.

Submissions (3):

Ambry Genetics
Classification: Uncertain significance for Cystic fibrosis. Last evaluated: 2025-04-08. Review status: criteria provided, single submitter. Criteria: Ambry Variant Classification Scheme 2023. Collection method: clinical testing. Allele origin: germline.
Comment: The p.S742F variant (also known as c.2225C>T), located in coding exon 14 of the CFTR gene, results from a C to T substitution at nucleotide position 2225. The serine at codon 742 is replaced by phenylalanine, an amino acid with highly dissimilar properties. This amino acid position is not well conserved in available vertebrate species. In addition, the in silico prediction for this alteration is inconclusive. Based on the available evidence, the clinical significance of this variant remains unclear.

GeneDx
Classification: Uncertain significance. Last evaluated: 2024-02-20. Review status: criteria provided, single submitter. Criteria: GeneDx Variant Classification Process June 2021. Collection method: clinical testing. Allele origin: germline. Affected: yes.
Comment: Not observed at significant frequency in large population cohorts (gnomAD); In silico analysis supports that this missense variant does not alter protein structure/function; Has not been previously published as pathogenic or benign to our knowledge

Labcorp Genetics (formerly Invitae), Labcorp
Classification: Uncertain significance for Cystic fibrosis. Last evaluated: 2021-09-17. Review status: criteria provided, single submitter. Criteria: Invitae Variant Classification Sherloc (09022015). Collection method: clinical testing. Allele origin: germline.
Comment: This sequence change replaces serine with phenylalanine at codon 742 of the CFTR protein (p.Ser742Phe). The serine residue is moderately conserved and there is a large physicochemical difference between serine and phenylalanine. This variant is not present in population databases (ExAC no frequency). This variant has not been reported in the literature in individuals with CFTR-related conditions. Algorithms developed to predict the effect of missense changes on protein structure and function are either unavailable or do not agree on the potential impact of this missense change (SIFT: "Tolerated"; PolyPhen-2: "Possibly Damaging"; Align-GVGD: "Class C0"). In summary, the available evidence is currently insufficient to determine the role of this variant in disease. Therefore, it has been classified as a Variant of Uncertain Significance.